The following is an entry in ClinVar:

NM_000038.6(APC):c.341C>A (p.Pro114His)

Gene: APC (APC regulator of Wnt signaling pathway; plus strand). Cytogenetic location: 5q22.2.
Variant type: single nucleotide variant.
Coding change: c.341C>A on transcript NM_000038.6 (MANE Select); coding-DNA position 341, C replaced by A.
Protein change: p.Pro114His; replaces proline 114 with histidine.
Molecular consequence: missense variant. On other transcripts: 5 prime UTR variant (1).
Genome position (GRCh38, 1-based): chr5:112,767,309, C>A. VCF-style: chr5-112767309-C-A. GRCh37 (hg19) VCF-style: chr5-112103006-C-A.
Other names: c.341C>A, p.Pro114His (NM_001127510.3, NM_001354895.2, NM_001354896.2 and 16 more transcripts); c.371C>A, p.Pro124His (NM_001127511.3, NM_001354897.2, NM_001354902.2 and 1 more transcripts); c.266C>A, p.Pro89His (NM_001354898.2, NM_001354904.2, NM_001407451.1); c.164C>A, p.Pro55His (NM_001354900.2, NM_001354901.2, NM_001354905.2 and 1 more transcripts); c.-695C>A (NM_001354906.2, NM_001407470.1, NM_001407471.1 and 1 more transcripts); short protein forms P124H, P89H, P114H, P55H.
Identifiers: ClinVar variation 2037906 (VCV002037906.5), dbSNP rs200117298, ClinGen allele CA16022065.

ClinVar aggregate classification (germline): Uncertain significance. Review status: criteria provided, multiple submitters, no conflicts (2 of 4 stars). 2 submissions from 2 submitters: Uncertain significance (2). Last evaluated 2024-08-13.

Conditions:
Familial adenomatous polyposis 1 (FAP1). Also called: POLYPOSIS, ADENOMATOUS INTESTINAL; FAMILIAL ADENOMATOUS POLYPOSIS 1, ATTENUATED. Identifiers: MedGen C2713442, MONDO:0021056, OMIM 175100. Disease mechanism: loss of function.
Classic or attenuated familial adenomatous polyposis. Identifiers: MedGen CN372698, MONDO:0021057.

Submissions (2):

All of Us Research Program, National Institutes of Health
Classification: Uncertain significance for Classic or attenuated familial adenomatous polyposis. Last evaluated: 2024-08-13. Review status: criteria provided, single submitter. Criteria: ACMG Guidelines, 2015. Collection method: clinical testing. Allele origin: germline. Inheritance: Autosomal dominant inheritance. Observed: 1 variant allele, 1 heterozygote.
Comment: This missense variant replaces proline with histidine at codon 114 of the APC protein. Computational prediction suggests that this variant may not impact protein structure and function (internally defined REVEL score threshold <= 0.5, PMID: 27666373). To our knowledge, functional studies have not been reported for this variant. This variant has not been reported in individuals affected with APC-related disorders in the literature. This variant has not been identified in the general population by the Genome Aggregation Database (gnomAD). The available evidence is insufficient to determine the role of this variant in disease conclusively. Therefore, this variant is classified as a Variant of Uncertain Significance.

This study involves interpretation of variants in research participants for the purpose of population health screening. Participant phenotype was not available at the time of variant classification. Additional details can be found in publication PMID: 35346344, PMCID: PMC8962531

Labcorp Genetics (formerly Invitae), Labcorp
Classification: Uncertain significance for Familial adenomatous polyposis 1. Last evaluated: 2022-02-23. Review status: criteria provided, single submitter. Criteria: Invitae Variant Classification Sherloc (09022015). Collection method: clinical testing. Allele origin: germline.
Comment: This sequence change replaces proline, which is neutral and non-polar, with histidine, which is basic and polar, at codon 114 of the APC protein (p.Pro114His). This variant is not present in population databases (gnomAD no frequency). This variant has not been reported in the literature in individuals affected with APC-related conditions. Algorithms developed to predict the effect of missense changes on protein structure and function (SIFT, PolyPhen-2, Align-GVGD) all suggest that this variant is likely to be disruptive. In summary, the available evidence is currently insufficient to determine the role of this variant in disease. Therefore, it has been classified as a Variant of Uncertain Significance.